The following is an entry in ClinVar:

NM_005236.3(ERCC4):c.705A>C (p.Ala235=)

Gene: ERCC4 (ERCC excision repair 4, endonuclease catalytic subunit; plus strand). Cytogenetic location: 16p13.12.
Variant type: single nucleotide variant.
Coding change: c.705A>C on transcript NM_005236.3 (MANE Select); coding-DNA position 705, A replaced by C.
Protein change: p.Ala235=; no amino-acid change (alanine 235 retained).
Molecular consequence: synonymous variant.
Genome position (GRCh38, 1-based): chr16:13,928,148, A>C. VCF-style: chr16-13928148-A-C. GRCh37 (hg19) VCF-style: chr16-14022005-A-C.
Identifiers: ClinVar variation 3389627 (VCV003389627.14).

ClinVar aggregate classification (germline): Likely benign (1 of 4 stars; one submission).

Submission:

CeGaT Center for Human Genetics Tuebingen
Classification: Likely benign. Last evaluated: 2024-09-01. Review status: criteria provided, single submitter. Criteria: CeGaT Center For Human Genetics Tuebingen Variant Classification Criteria Version 2. Collection method: clinical testing. Allele origin: germline. Affected: yes. Observed: 1 variant allele.
Comment: ERCC4: PM2:Supporting, BP4, BP7